The following is an entry in ClinVar:

ClinVar aggregate classification (germline): Benign/Likely benign. Review status: criteria provided, multiple submitters, no conflicts (2 of 4 stars). 2 submissions from 2 submitters: Benign (1); Likely benign (1). Last evaluated 2026-06-02.

Conditions:
Gastrointestinal stromal tumor. Also called: Gastrointestinal stromal tumor, somatic; Gastrointestinal stroma tumor. Identifiers: Orphanet 44890, MedGen C0238198, MeSH D046152, MONDO:0011719, OMIM 606764, HP:0100723.

Allele frequency attached by ClinVar (database versions not stated): gnomAD exomes below 0.00001.
gnomAD v4.1: 1 of 1,614,176 alleles (0.000062%); highest among the groups gnomAD compares: Non-Finnish European, 0.000085%; no homozygotes.

Submissions (2):

Myriad Genetics, Inc.
Classification: Benign for Gastrointestinal stromal tumor. Last evaluated: 2026-06-02. Review status: criteria provided, single submitter. Criteria: Myriad Autosomal Dominant, Autosomal Recessive and X-Linked Classification Criteria (2023). Collection method: clinical testing. Allele origin: unknown.
Comment: This variant is considered benign. This variant is a silent/synonymous amino acid change and it is not expected to impact splicing.

Labcorp Genetics (formerly Invitae), Labcorp
Classification: Likely benign for Gastrointestinal stromal tumor. Last evaluated: 2023-11-15. Review status: criteria provided, single submitter. Criteria: Invitae Variant Classification Sherloc (09022015). Collection method: clinical testing. Allele origin: germline.

NM_000222.3(KIT):c.594A>G (p.Glu198=)

Gene: KIT (KIT proto-oncogene, receptor tyrosine kinase; plus strand). Cytogenetic location: 4q12.
Variant type: single nucleotide variant.
Coding change: c.594A>G on transcript NM_000222.3 (MANE Select); coding-DNA position 594, A replaced by G.
Protein change: p.Glu198=; no amino-acid change (glutamic acid 198 retained).
Molecular consequence: synonymous variant.
Genome position (GRCh38, 1-based): chr4:54,698,540, A>G. VCF-style: chr4-54698540-A-G. GRCh37 (hg19) VCF-style: chr4-55564706-A-G.
Other names: c.594A>G, p.Glu198= (NM_001093772.2, NM_001385284.1, NM_001385285.1 and 4 more transcripts).
Identifiers: ClinVar variation 2696035 (VCV002696035.4), dbSNP rs2475452694, ClinGen allele CA439409418.